The following is an entry in ClinVar:

ClinVar aggregate classification (germline): Likely pathogenic (1 of 4 stars; one submission).

Conditions:
Familial cancer of breast. Also called: Hereditary breast cancer; BREAST CANCER, FAMILIAL; hereditary breast carcinoma. Identifiers: Orphanet 227535, MedGen C0346153, MONDO:0016419, OMIM 114480. Disease mechanism: loss of function.

Submission:

Myriad Genetics, Inc.
Classification: Likely pathogenic for Familial cancer of breast. Last evaluated: 2023-09-13. Review status: criteria provided, single submitter. Criteria: Myriad Autosomal Dominant, Autosomal Recessive and X-Linked Classification Criteria (2023). Collection method: clinical testing. Allele origin: unknown.
Comment: This variant is considered likely pathogenic. This variant occurs within a consensus splice junction and is predicted to result in abnormal mRNA splicing of either an out-of-frame exon or an in-frame exon necessary for protein stability and/or normal function.

NM_024675.4(PALB2):c.2835-70_2860del

Gene: PALB2 (partner and localizer of BRCA2; minus strand). Cytogenetic location: 16p12.2.
Variant type: Deletion.
Coding change: c.2835-70_2860del on transcript NM_024675.4 (MANE Select); 70 bases into the intron before coding-DNA position 2835 through coding-DNA position 2860, 96 bases deleted.
Molecular consequence: splice acceptor variant. On other transcripts: intron variant (1).
Genome position (GRCh38, 1-based): chr16:23,623,105-23,623,200, 96 bases deleted. GRCh37 (hg19): chr16:23,634,426-23,634,521.
Other names: c.1950-70_1975del (NM_001407308.1, NM_001407306.1, NM_001407309.1 and 4 more transcripts); c.369-70_394del (NM_001407314.1); c.1047-70_1072del (NM_001407313.1, NM_001407312.1); c.2775-70_2800del (NM_001407296.1); c.2763-70_2788del (NM_001407297.1); c.2673-70_2698del (NM_001407302.1, NM_001407298.1); c.2834+809_2834+904del (NM_001407300.1); c.2835-70_2860del (NM_001407299.1, NM_001407301.1); and 1 more.
Identifiers: ClinVar variation 2673832 (VCV002673832.1), dbSNP rs2506337371, ClinGen allele CA2695197604.